The following is an entry in ClinVar:

NM_016373.4(WWOX):c.854dup (p.Asn285fs)

Gene: WWOX (WW domain containing oxidoreductase; plus strand). Cytogenetic location: 16q23.1.
Variant type: Duplication.
Coding change: c.854dup on transcript NM_016373.4 (MANE Select); coding-DNA position 854, one base duplicated (A; older notation c.854dupA).
Protein change: p.Asn285fs; shifts the reading frame from asparagine 285.
Molecular consequence: frameshift variant.
Genome position (GRCh38, 1-based): chr16:78,432,550, A duplicated; the last of 6 consecutive A bases (chr16:78,432,545-78,432,550); duplicating any one gives the same sequence. VCF-style (leftmost placement, unchanged base first): chr16-78432544-C-CA. GRCh37 (hg19) VCF-style: chr16-78466441-C-CA.
Other names: c.515dup, p.Asn172fs (NM_001291997.2); short protein forms N172fs, N285fs.
Identifiers: ClinVar variation 941526 (VCV000941526.10), dbSNP rs1394607357, ClinGen allele CA724259215.

ClinVar aggregate classification (germline): Pathogenic/Likely pathogenic. Review status: criteria provided, multiple submitters, no conflicts (2 of 4 stars). 2 submissions from 2 submitters: Pathogenic (1); Likely pathogenic (1). Last evaluated 2022-01-15.

Conditions:
Developmental and epileptic encephalopathy, 1 (DEE1). Also called: INFANTILE SPASM SYNDROME, X-LINKED 1; X-linked infantile spasms; West's syndrome; Tonic spasms with clustering, arrest of psychomotor development and hypsarrhythmia on EEG; X-Linked Infantile Spasm Syndrome; OHTAHARA SYNDROME, X-LINKED. Identifiers: MedGen C3463992, MONDO:0010632, OMIM 308350. Disease mechanism: loss of function.
Autosomal recessive spinocerebellar ataxia 12. Also called: SPINOCEREBELLAR ATAXIA WITH MENTAL RETARDATION AND EPILEPSY. Identifiers: Orphanet 284282, MedGen C3280452, MONDO:0013687, OMIM 614322.
Developmental and epileptic encephalopathy, 28 (DEE28). Also called: Epileptic encephalopathy, early infantile, 28. Identifiers: Orphanet 442835, MedGen C4015519, MONDO:0014533, OMIM 616211.
Malignant tumor of esophagus. Also called: Esophageal cancer; Esophageal cancer, somatic. Identifiers: Orphanet 99977, MedGen C0546837, MONDO:0007576, OMIM 133239.

Submissions (2):

Labcorp Genetics (formerly Invitae), Labcorp
Classification: Pathogenic for Developmental and epileptic encephalopathy, 1; Autosomal recessive spinocerebellar ataxia 12. Last evaluated: 2022-01-15. Review status: criteria provided, single submitter. Criteria: Invitae Variant Classification Sherloc (09022015). Collection method: clinical testing. Allele origin: germline.
Comment: This sequence change creates a premature translational stop signal (p.Asn285Lysfs*10) in the WWOX gene. It is expected to result in an absent or disrupted protein product. Loss-of-function variants in WWOX are known to be pathogenic (PMID: 24456803, 25411445). This variant is not present in population databases (gnomAD no frequency). This variant has not been reported in the literature in individuals affected with WWOX-related conditions. ClinVar contains an entry for this variant (Variation ID: 941526). For these reasons, this variant has been classified as Pathogenic.

Juno Genomics, Hangzhou Juno Genomics, Inc
Classification: Likely pathogenic for Autosomal recessive spinocerebellar ataxia 12; Developmental and epileptic encephalopathy, 28; Malignant tumor of esophagus. Review status: criteria provided, single submitter. Criteria: ACMG Guidelines, 2015. Collection method: clinical testing. Allele origin: germline.
Comment: Null variant in a gene where loss of function (LOF) is a known mechanism of disease.;Absent from controls (or at extremely low frequency if recessive) in Genome Aggregation Database.

Literature cited by the submitters: PubMed 24456803 (cited by Labcorp Genetics (formerly Invitae), Labcorp); PubMed 25411445 (cited by Labcorp Genetics (formerly Invitae), Labcorp).